The following is an entry in ClinVar:

NM_006206.6(PDGFRA):c.2781G>C (p.Glu927Asp)

Gene: PDGFRA (platelet derived growth factor receptor alpha; plus strand). Cytogenetic location: 4q12.
Variant type: single nucleotide variant.
Coding change: c.2781G>C on transcript NM_006206.6 (MANE Select); coding-DNA position 2781, G replaced by C.
Protein change: p.Glu927Asp; replaces glutamic acid 927 with aspartic acid.
Molecular consequence: missense variant.
Genome position (GRCh38, 1-based): chr4:54,289,015, G>C. VCF-style: chr4-54289015-G-C. GRCh37 (hg19) VCF-style: chr4-55155182-G-C.
Other names: c.2856G>C, p.Glu952Asp (NM_001347828.2); c.2781G>C, p.Glu927Asp (NM_001347829.2); c.2820G>C, p.Glu940Asp (NM_001347830.2); short protein forms E927D, E940D, E952D.
Identifiers: ClinVar variation 645446 (VCV000645446.13), dbSNP rs759251401, ClinGen allele CA2922959.

ClinVar aggregate classification (germline): Conflicting classifications of pathogenicity. Review status: criteria provided, conflicting classifications (1 of 4 stars). 3 submissions from 3 submitters: Uncertain significance (2); Benign (1). Last evaluated 2025-11-18.

Conditions:
Polyps, multiple and recurrent inflammatory fibroid, gastrointestinal. Identifiers: MedGen C5193005, MONDO:0008285, OMIM 175510.
Hereditary cancer-predisposing syndrome. Also called: Hereditary Cancer Syndrome; Tumor predisposition; Neoplastic Syndromes, Hereditary; Hereditary neoplastic syndrome. Identifiers: Orphanet 140162, MedGen C0027672, MeSH D009386, MONDO:0015356.
Gastrointestinal stromal tumor. Also called: Gastrointestinal stromal tumor, somatic; Gastrointestinal stroma tumor. Identifiers: Orphanet 44890, MedGen C0238198, MeSH D046152, MONDO:0011719, OMIM 606764, HP:0100723.

Allele frequency attached by ClinVar (database versions not stated): gnomAD exomes below 0.00001 and 0.00002; TOPMed below 0.00001; ExAC 0.00002.
gnomAD v4.1: 5 of 1,606,624 alleles (0.00031%); highest among the groups gnomAD compares: Admixed American, 0.0083%; no homozygotes.

Submissions (3):

Labcorp Genetics (formerly Invitae), Labcorp
Classification: Uncertain significance for Gastrointestinal stromal tumor. Last evaluated: 2025-11-18. Review status: criteria provided, single submitter. Criteria: Invitae Variant Classification Sherloc (09022015). Collection method: clinical testing. Allele origin: germline.
Comment: This sequence change replaces glutamic acid, which is acidic and polar, with aspartic acid, which is acidic and polar, at codon 927 of the PDGFRA protein (p.Glu927Asp). This variant is present in population databases (rs759251401, gnomAD 0.01%). This variant has not been reported in the literature in individuals affected with PDGFRA-related conditions. ClinVar contains an entry for this variant (Variation ID: 645446). Invitae Evidence Modeling of protein sequence and biophysical properties (such as structural, functional, and spatial information, amino acid conservation, physicochemical variation, residue mobility, and thermodynamic stability) indicates that this missense variant is not expected to disrupt PDGFRA protein function with a negative predictive value of 80%. In summary, the available evidence is currently insufficient to determine the role of this variant in disease. Therefore, it has been classified as a Variant of Uncertain Significance.

Ambry Genetics
Classification: Benign for Hereditary cancer-predisposing syndrome. Last evaluated: 2024-10-28. Review status: criteria provided, single submitter. Criteria: Ambry Variant Classification Scheme 2023. Collection method: clinical testing. Allele origin: germline.

Baylor Genetics
Classification: Uncertain significance for Polyps, multiple and recurrent inflammatory fibroid, gastrointestinal. Last evaluated: 2023-09-19. Review status: criteria provided, single submitter. Criteria: ACMG Guidelines, 2015. Collection method: clinical testing. Allele origin: unknown.